The following is an entry in ClinVar:

ClinVar aggregate classification (germline): Conflicting classifications of pathogenicity. Review status: criteria provided, conflicting classifications (1 of 4 stars). 5 submissions from 5 submitters: Uncertain significance (4); Likely benign (1). Last evaluated 2026-02-03.

Conditions:
LZTR1-related schwannomatosis. Also called: Schwannomatosis-2, susceptibility to; Schwannomatosis 2. Identifiers: Orphanet 93921, MedGen C3810283, MONDO:0014299, OMIM 615670.
Hereditary cancer-predisposing syndrome. Also called: Hereditary Cancer Syndrome; Neoplastic Syndromes, Hereditary; Hereditary neoplastic syndrome; Tumor predisposition. Identifiers: Orphanet 140162, MedGen C0027672, MeSH D009386, MONDO:0015356.
Cardiovascular phenotype. Identifiers: MedGen CN230736.

Allele frequency attached by ClinVar (database versions not stated): gnomAD exomes 0.00003 and 0.00002; TOPMed below 0.00001; gnomAD 0.00001; ExAC 0.00002.

Submissions (5):

Labcorp Genetics (formerly Invitae), Labcorp
Classification: Uncertain significance. Last evaluated: 2026-02-03. Review status: criteria provided, single submitter. Criteria: Invitae Variant Classification Sherloc (09022015). Collection method: clinical testing. Allele origin: germline.
Comment: This sequence change replaces glycine, which is neutral and non-polar, with alanine, which is neutral and non-polar, at codon 334 of the LZTR1 protein (p.Gly334Ala). This variant is present in population databases (rs777494767, gnomAD 0.004%). This variant has not been reported in the literature in individuals affected with LZTR1-related conditions. ClinVar contains an entry for this variant (Variation ID: 1319832). Invitae Evidence Modeling of protein sequence and biophysical properties (such as structural, functional, and spatial information, amino acid conservation, physicochemical variation, residue mobility, and thermodynamic stability) indicates that this missense variant is not expected to disrupt LZTR1 protein function with a negative predictive value of 80%. In summary, the available evidence is currently insufficient to determine the role of this variant in disease. Therefore, it has been classified as a Variant of Uncertain Significance.

Ambry Genetics
Classification: Likely benign for Cardiovascular phenotype; Hereditary cancer-predisposing syndrome. Last evaluated: 2025-03-17. Review status: criteria provided, single submitter. Criteria: Ambry Variant Classification Scheme 2023. Collection method: clinical testing. Allele origin: germline.

Baylor Genetics
Classification: Uncertain significance for LZTR1-related schwannomatosis. Last evaluated: 2023-08-31. Review status: criteria provided, single submitter. Criteria: ACMG Guidelines, 2015. Collection method: clinical testing. Allele origin: unknown.

GeneDx
Classification: Uncertain significance. Last evaluated: 2023-08-08. Review status: criteria provided, single submitter. Criteria: GeneDx Variant Classification Process June 2021. Collection method: clinical testing. Allele origin: germline.
Comment: Not observed at significant frequency in large population cohorts (gnomAD); In silico analysis supports that this missense variant does not alter protein structure/function; Has not been previously published as pathogenic or benign to our knowledge

Institute for Clinical Genetics, University Hospital TU Dresden, University Hospital TU Dresden
Classification: Uncertain significance. Last evaluated: 2021-11-03. Review status: criteria provided, single submitter. Criteria: ACMG Guidelines, 2015. Collection method: clinical testing. Allele origin: germline.

NM_006767.4(LZTR1):c.1001G>C (p.Gly334Ala)

Gene: LZTR1 (leucine zipper like post translational regulator 1; plus strand). Cytogenetic location: 22q11.21.
Variant type: single nucleotide variant.
Coding change: c.1001G>C on transcript NM_006767.4 (MANE Select); coding-DNA position 1001, G replaced by C.
Protein change: p.Gly334Ala; replaces glycine 334 with alanine.
Molecular consequence: missense variant.
Genome position (GRCh38, 1-based): chr22:20,992,221, G>C. VCF-style: chr22-20992221-G-C. GRCh37 (hg19) VCF-style: chr22-21346510-G-C.
Other names: short protein forms G334A.
Identifiers: ClinVar variation 1319832 (VCV001319832.33), dbSNP rs777494767, ClinGen allele CA10118693.
Genomic context (GRCh38, chr22:20,992,221, plus strand): 5'-ACCTACCTGGCCCTTGCCAACTGGTCTCATGCCCATGTGTCTCCCCTCTTCAGGTTGGTG[G>C]GGCTGAAGTGCCCGAGCGAGCCTGTGCTTCCGAGGAGGTGCCCACCCTGACCTATGAGGA-3'
Protein context (NP_006758.2, residues 324-344): VQPSSDSEVG[Gly334Ala]AEVPERACAS